The following is an entry in ClinVar:

NM_015506.3(MMACHC):c.553A>C (p.Thr185Pro)

Gene: MMACHC (metabolism of cobalamin associated C; plus strand). Cytogenetic location: 1p34.1.
Variant type: single nucleotide variant.
Coding change: c.553A>C on transcript NM_015506.3 (MANE Select); coding-DNA position 553, A replaced by C.
Protein change: p.Thr185Pro; replaces threonine 185 with proline.
Molecular consequence: missense variant.
Genome position (GRCh38, 1-based): chr1:45,508,919, A>C. VCF-style: chr1-45508919-A-C. GRCh37 (hg19) VCF-style: chr1-45974591-A-C.
Other names: c.382A>C, p.Thr128Pro (NM_001330540.2); short protein forms T128P, T185P.
Identifiers: ClinVar variation 1708621 (VCV001708621.5), dbSNP rs1205106855, ClinGen allele CA340133426.

ClinVar aggregate classification (germline): Uncertain significance. Review status: criteria provided, multiple submitters, no conflicts (2 of 4 stars). 3 submissions from 3 submitters: Uncertain significance (3). Last evaluated 2023-04-11.

Conditions:
Cobalamin C disease. Also called: Methylmalonic aciduria and homocystinuria, Vitamin B12-responsive; Vitamin B12 metabolic defect with combined deficiency of methylmalonyl-CoA mutase and homocysteine:methyltetrahydrofolate methyltransferase; methylmalonic aciduria and homocystinuria type cblC; Cobalamin-C methylmalonic acidemia and homocystinuria; Methylmalonic acidemia and homocystinuria cblC type; Methylmalonic aciduria with homocystinuria cblC type. Identifiers: Orphanet 26, Orphanet 79282, MedGen C1848561, MONDO:0010184, OMIM 277400.

gnomAD v4.1: 1 of 1,614,142 alleles (0.000062%); highest among the groups gnomAD compares: Admixed American, 0.0017%; no homozygotes.

Submissions (3):

Genome-Nilou Lab
Classification: Uncertain significance for Cobalamin C disease. Last evaluated: 2023-04-11. Review status: criteria provided, single submitter. Criteria: ACMG Guidelines, 2015. Collection method: clinical testing. Allele origin: germline. Affected: no.

Labcorp Genetics (formerly Invitae), Labcorp
Classification: Uncertain significance for Cobalamin C disease. Last evaluated: 2022-07-08. Review status: criteria provided, single submitter. Criteria: Invitae Variant Classification Sherloc (09022015). Collection method: clinical testing. Allele origin: germline.
Comment: This sequence change replaces threonine, which is neutral and polar, with proline, which is neutral and non-polar, at codon 185 of the MMACHC protein (p.Thr185Pro). This variant is present in population databases (no rsID available, gnomAD 0.003%). This variant has not been reported in the literature in individuals affected with MMACHC-related conditions. Advanced modeling of protein sequence and biophysical properties (such as structural, functional, and spatial information, amino acid conservation, physicochemical variation, residue mobility, and thermodynamic stability) performed at Invitae indicates that this missense variant is not expected to disrupt MMACHC protein function. In summary, the available evidence is currently insufficient to determine the role of this variant in disease. Therefore, it has been classified as a Variant of Uncertain Significance.

GeneDx
Classification: Uncertain significance. Last evaluated: 2022-04-07. Review status: criteria provided, single submitter. Criteria: GeneDx Variant Classification Process June 2021. Collection method: clinical testing. Allele origin: germline. Affected: yes.
Comment: Not observed at significant frequency in large population cohorts (gnomAD); In silico analysis supports that this missense variant has a deleterious effect on protein structure/function; Has not been previously published as pathogenic or benign to our knowledge